The following is an entry in ClinVar:

ClinVar aggregate classification (germline): Uncertain significance (1 of 4 stars; one submission).

Conditions:
Hereditary cancer-predisposing syndrome. Also called: Neoplastic Syndromes, Hereditary; Tumor predisposition; Hereditary neoplastic syndrome; Hereditary Cancer Syndrome. Identifiers: Orphanet 140162, MedGen C0027672, MeSH D009386, MONDO:0015356.

Submission:

Ambry Genetics
Classification: Uncertain significance for Hereditary cancer-predisposing syndrome. Last evaluated: 2026-07-20. Review status: criteria provided, single submitter. Criteria: Ambry Variant Classification Scheme 2023. Collection method: clinical testing. Allele origin: germline.
Comment: The p.I371V variant (also known as c.1111A>G), located in coding exon 6 of the KIT gene, results from an A to G substitution at nucleotide position 1111. The isoleucine at codon 371 is replaced by valine, an amino acid with highly similar properties. This amino acid position is conserved. In addition, this alteration is predicted to be tolerated by in silico analysis. Based on the available evidence, the clinical significance of this variant remains unclear.

NM_000222.3(KIT):c.1111A>G (p.Ile371Val)

Gene: KIT (KIT proto-oncogene, receptor tyrosine kinase; plus strand). Cytogenetic location: 4q12.
Variant type: single nucleotide variant.
Coding change: c.1111A>G on transcript NM_000222.3 (MANE Select); coding-DNA position 1111, A replaced by G.
Protein change: p.Ile371Val; replaces isoleucine 371 with valine.
Molecular consequence: missense variant.
Genome position (GRCh38, 1-based): chr4:54,707,283, A>G. VCF-style: chr4-54707283-A-G. GRCh37 (hg19) VCF-style: chr4-55573449-A-G.
Other names: c.1111A>G, p.Ile371Val (NM_001093772.2, NM_001385285.1, NM_001385286.1); c.1114A>G, p.Ile372Val (NM_001385284.1, NM_001385288.1, NM_001385290.1 and 1 more transcripts); short protein forms I371V, I372V.
Identifiers: ClinVar variation 5023327 (VCV005023327.1).